The following is an entry in ClinVar:

NM_004260.4(RECQL4):c.2886-1G>A

Gene: RECQL4 (RecQ like helicase 4; minus strand). Cytogenetic location: 8q24.3.
Variant type: single nucleotide variant.
Coding change: c.2886-1G>A on transcript NM_004260.4 (MANE Select); the canonical splice acceptor site of the intron before coding-DNA position 2886, G replaced by A.
Molecular consequence: splice acceptor variant.
Genome position (GRCh38, 1-based): chr8:144,512,562, C>T on the plus strand (G>A on the coding strand, the complement: RECQL4 is on the minus strand). VCF-style: chr8-144512562-C-T. GRCh37 (hg19) VCF-style: chr8-145737945-C-T.
Other names: c.2757-1G>A (NM_001413025.1); c.2535-1G>A (NM_001413029.1); c.1749-1G>A (NM_001413032.1, NM_001413027.1, NM_001413030.1); c.1815-1G>A (NM_001413035.1, NM_001413040.1, NM_001413021.1 and 4 more transcripts); c.2592-1G>A (NM_001413017.1); c.2790-1G>A (NM_001413020.1); c.2856-1G>A (NM_001413039.1); c.2754-1G>A (NM_001413033.1); and 9 more.
Identifiers: ClinVar variation 2098512 (VCV002098512.6), dbSNP rs2130664418, ClinGen allele CA372673723.

ClinVar aggregate classification (germline): Pathogenic. Review status: criteria provided, multiple submitters, no conflicts (2 of 4 stars). 2 submissions from 2 submitters: Pathogenic (2). Last evaluated 2023-03-20.

Conditions:
Rothmund-Thomson syndrome type 2 (RTS2). Identifiers: Orphanet 221016, MedGen C5203410, MONDO:0016369, OMIM 268400.
Baller-Gerold syndrome (BGS). Also called: CRANIOSYNOSTOSIS WITH RADIAL DEFECTS. Identifiers: Orphanet 1225, MedGen C0265308, MONDO:0009039, OMIM 218600.

Submissions (2):

Labcorp Genetics (formerly Invitae), Labcorp
Classification: Pathogenic for Baller-Gerold syndrome. Last evaluated: 2023-03-20. Review status: criteria provided, single submitter. Criteria: Invitae Variant Classification Sherloc (09022015). Collection method: clinical testing. Allele origin: germline.
Comment: This sequence change affects an acceptor splice site in intron 16 of the RECQL4 gene. It is expected to disrupt RNA splicing. Variants that disrupt the donor or acceptor splice site typically lead to a loss of protein function (PMID: 16199547), and loss-of-function variants in RECQL4 are known to be pathogenic (PMID: 12734318, 12952869). This variant is not present in population databases (gnomAD no frequency). Disruption of this splice site has been observed in individuals with RECQL4-related conditions (PMID: 18504617, 34155702). ClinVar contains an entry for this variant (Variation ID: 2098512). Algorithms developed to predict the effect of sequence changes on RNA splicing suggest that this variant may disrupt the consensus splice site. For these reasons, this variant has been classified as Pathogenic.

Juno Genomics, Hangzhou Juno Genomics, Inc
Classification: Pathogenic for Rothmund-Thomson syndrome type 2. Review status: criteria provided, single submitter. Criteria: ACMG Guidelines, 2015. Collection method: clinical testing. Allele origin: germline.
Comment: Absent from controls (or at extremely low frequency if recessive) in Genome Aggregation Database.;Null variant in a gene where loss of function (LOF) is a known mechanism of disease.;For recessive disorders, detected in trans with a pathogenic variant.

Literature cited by the submitters: PubMed 16199547 (cited by Labcorp Genetics (formerly Invitae), Labcorp); PubMed 12734318 (cited by Labcorp Genetics (formerly Invitae), Labcorp); PubMed 12952869 (cited by Labcorp Genetics (formerly Invitae), Labcorp); PubMed 18504617 (cited by Labcorp Genetics (formerly Invitae), Labcorp); PubMed 34155702 (cited by Labcorp Genetics (formerly Invitae), Labcorp).